The following is an entry in ClinVar:

ClinVar aggregate classification (germline): Conflicting classifications of pathogenicity. Review status: criteria provided, conflicting classifications (1 of 4 stars). 8 submissions from 8 submitters: Uncertain significance (6); Likely benign (1). 1 of the submissions does not count toward it. Last evaluated 2026-01-12.

Conditions:
BRCA2-related disorder. Also called: BRCA2-related condition; BRCA2-related disorders. Identifiers: MedGen CN239275.
Hereditary cancer-predisposing syndrome. Also called: Hereditary neoplastic syndrome; Hereditary Cancer Syndrome; Tumor predisposition; Neoplastic Syndromes, Hereditary. Identifiers: Orphanet 140162, MedGen C0027672, MeSH D009386, MONDO:0015356.
Hereditary breast ovarian cancer syndrome. Also called: Breast and ovarian cancer; Hereditary breast and ovarian cancer; BRCA1- and BRCA2-Associated Hereditary Breast and Ovarian Cancer; Hereditary breast and/or ovarian cancer syndrome; Hereditary breast and ovarian cancer syndrome; Hereditary breast and ovarian cancer syndrome (HBOC). Identifiers: Orphanet 145, MedGen C0677776, MeSH D061325, MONDO:0003582. Disease mechanism: loss of function.

Allele frequency attached by ClinVar (database versions not stated): gnomAD exomes 0.00001.
gnomAD v4.1: 12 of 1,568,580 alleles (0.00077%); highest among the groups gnomAD compares: Non-Finnish European, 0.001%; no homozygotes.

Submissions (8):

Labcorp Genetics (formerly Invitae), Labcorp
Classification: Uncertain significance for Hereditary breast ovarian cancer syndrome. Last evaluated: 2026-01-12. Review status: criteria provided, single submitter. Criteria: Invitae Variant Classification Sherloc (09022015). Collection method: clinical testing. Allele origin: germline.
Comment: This sequence change replaces glutamic acid, which is acidic and polar, with lysine, which is basic and polar, at codon 1276 of the BRCA2 protein (p.Glu1276Lys). This variant is not present in population databases (gnomAD no frequency). This variant has not been reported in the literature in individuals affected with BRCA2-related conditions. ClinVar contains an entry for this variant (Variation ID: 438973). Invitae Evidence Modeling of protein sequence and biophysical properties (such as structural, functional, and spatial information, amino acid conservation, physicochemical variation, residue mobility, and thermodynamic stability) indicates that this missense variant is not expected to disrupt BRCA2 protein function with a negative predictive value of 95%. In summary, the available evidence is currently insufficient to determine the role of this variant in disease. Therefore, it has been classified as a Variant of Uncertain Significance.

Ambry Genetics
Classification: Uncertain significance for Hereditary cancer-predisposing syndrome. Last evaluated: 2025-12-09. Review status: criteria provided, single submitter. Criteria: Ambry Variant Classification Scheme 2023. Collection method: clinical testing. Allele origin: germline.
Comment: The p.E1276K variant (also known as c.3826G>A), located in coding exon 10 of the BRCA2 gene, results from a G to A substitution at nucleotide position 3826. The glutamic acid at codon 1276 is replaced by lysine, an amino acid with similar properties. This amino acid position is not well conserved in available vertebrate species. In addition, this alteration is predicted to be tolerated by in silico analysis. Since supporting evidence is limited at this time, the clinical significance of this alteration remains unclear.

University of Washington Department of Laboratory Medicine, University of Washington
Classification: Likely benign for Hereditary cancer-predisposing syndrome. Last evaluated: 2023-03-23. Review status: criteria provided, single submitter. Criteria: Dines et al. (Genet Med. 2020). Collection method: curation. Allele origin: germline.
Comment: Missense variant in a coldspot region where missense variants are very unlikely to be pathogenic (PMID:31911673).

BRCA2 exon 11 coldspot. Reclassification based on statistical prior probability.

Mendelics
Classification: Uncertain significance. Last evaluated: 2022-05-04. Review status: criteria provided, single submitter. Criteria: Mendelics Assertion Criteria 2019. Collection method: clinical testing. Allele origin: germline.

Color Diagnostics, LLC DBA Color Health
Classification: Uncertain significance for Hereditary cancer-predisposing syndrome. Last evaluated: 2022-04-05. Review status: criteria provided, single submitter. Criteria: ACMG Guidelines, 2015. Collection method: clinical testing. Allele origin: germline.
Comment: This missense variant replaces glutamic acid with lysine at codon 1276 of the BRCA2 protein. Computational prediction suggests that this variant may not impact protein structure and function (internally defined REVEL score threshold <= 0.5, PMID: 27666373). To our knowledge, functional studies have not been reported for this variant. This variant has been reported in an individual from a breast-ovarian cancer families cohort (kConFab) in the Leiden Open-source Variation Database. This variant has not been identified in the general population by the Genome Aggregation Database (gnomAD). The available evidence is insufficient to determine the role of this variant in disease conclusively. Therefore, this variant is classified as a Variant of Uncertain Significance.

Women's Health and Genetics/Laboratory Corporation of America, LabCorp
Classification: Uncertain significance. Last evaluated: 2021-08-13. Review status: criteria provided, single submitter. Criteria: LabCorp Variant Classification Summary - May 2015. Collection method: clinical testing. Allele origin: germline.
Comment: Variant summary: BRCA2 c.3826G>A (p.Glu1276Lys) results in a conservative amino acid change in the encoded protein sequence. Five of five in-silico tools predict a benign effect of the variant on protein function. The variant was absent in 218466 control chromosomes. The available data on variant occurrences in the general population are insufficient to allow any conclusion about variant significance. To our knowledge, no occurrence of c.3826G>A in individuals affected with Hereditary Breast And Ovarian Cancer Syndrome and no experimental evidence demonstrating its impact on protein function have been reported. Three clinical diagnostic laboratories have submitted clinical-significance assessments for this variant to ClinVar after 2014 without evidence for independent evaluation. All laboratories classified the variant as uncertain significance. Based on the evidence outlined above, the variant was classified as uncertain significance.

Quest Diagnostics Nichols Institute San Juan Capistrano
Classification: Uncertain significance. Last evaluated: 2017-04-20. Review status: criteria provided, single submitter. Criteria: Quest Diagnostics criteria. Collection method: clinical testing. Allele origin: germline.

PreventionGenetics, part of Exact Sciences
Classification: Uncertain significance for BRCA2-related condition. Last evaluated: 2024-01-03. Review status: no assertion criteria provided. Collection method: clinical testing. Allele origin: germline. Not counted in ClinVar's aggregate classification.
Comment: The BRCA2 c.3826G>A variant is predicted to result in the amino acid substitution p.Glu1276Lys. To our knowledge, this variant has not been reported in the literature or in a large population database, indicating this variant is rare. This variant has conflicting interpretations of pathogenicity of uncertain and likely benign in ClinVar. This variant occurs within a region of the BRCA2 gene that is predicted to be tolerant to missense variation (Table 2, Dines et al. 2020. PubMed ID: 31911673). Although we suspect that this variant may be benign, at this time, the clinical significance of this variant is uncertain due to the absence of conclusive functional and genetic evidence.

NM_000059.4(BRCA2):c.3826G>A (p.Glu1276Lys)

Gene: BRCA2 (BRCA2 DNA repair associated; plus strand). Cytogenetic location: 13q13.1.
Variant type: single nucleotide variant.
Coding change: c.3826G>A on transcript NM_000059.4 (MANE Select); coding-DNA position 3826, G replaced by A.
Protein change: p.Glu1276Lys; replaces glutamic acid 1276 with lysine.
Molecular consequence: missense variant.
Genome position (GRCh38, 1-based): chr13:32,338,181, G>A. VCF-style: chr13-32338181-G-A. GRCh37 (hg19) VCF-style: chr13-32912318-G-A.
Other names: short protein forms E1276K.
Identifiers: ClinVar variation 438973 (VCV000438973.24), dbSNP rs878853575, ClinGen allele CA387778506.